The following is an entry in ClinVar:

ClinVar aggregate classification (germline): Uncertain significance (1 of 4 stars; one submission).

Conditions:
Familial adenomatous polyposis 1 (FAP1). Also called: POLYPOSIS, ADENOMATOUS INTESTINAL; FAMILIAL ADENOMATOUS POLYPOSIS 1, ATTENUATED. Identifiers: MedGen C2713442, MONDO:0021056, OMIM 175100. Disease mechanism: loss of function.

Allele frequency attached by ClinVar (database versions not stated): gnomAD exomes below 0.00001; ExAC 0.00001.
gnomAD v4.1: 1 of 1,613,796 alleles (0.000062%); no homozygotes.

Submission:

Labcorp Genetics (formerly Invitae), Labcorp
Classification: Uncertain significance for Familial adenomatous polyposis 1. Last evaluated: 2020-08-30. Review status: criteria provided, single submitter. Criteria: Invitae Variant Classification Sherloc (09022015). Collection method: clinical testing. Allele origin: germline.
Comment: This variant is present in population databases (rs759336152, ExAC 0.002%). This variant has not been reported in the literature in individuals with APC-related conditions. This sequence change replaces serine with asparagine at codon 2374 of the APC protein (p.Ser2374Asn). The serine residue is highly conserved and there is a small physicochemical difference between serine and asparagine. In summary, the available evidence is currently insufficient to determine the role of this variant in disease. Therefore, it has been classified as a Variant of Uncertain Significance. Algorithms developed to predict the effect of missense changes on protein structure and function (SIFT, PolyPhen-2, Align-GVGD) all suggest that this variant is likely to be tolerated, but these predictions have not been confirmed by published functional studies and their clinical significance is uncertain.

NM_000038.6(APC):c.7121G>A (p.Ser2374Asn)

Gene: APC (APC regulator of Wnt signaling pathway; plus strand). Cytogenetic location: 5q22.2.
Variant type: single nucleotide variant.
Coding change: c.7121G>A on transcript NM_000038.6 (MANE Select); coding-DNA position 7121, G replaced by A.
Protein change: p.Ser2374Asn; replaces serine 2374 with asparagine.
Molecular consequence: missense variant.
Genome position (GRCh38, 1-based): chr5:112,842,715, G>A. VCF-style: chr5-112842715-G-A. GRCh37 (hg19) VCF-style: chr5-112178412-G-A.
Other names: c.7121G>A, p.Ser2374Asn (NM_001127510.3, NM_001354895.2); c.7067G>A, p.Ser2356Asn (NM_001127511.3); c.7175G>A, p.Ser2392Asn (NM_001354896.2); c.7151G>A, p.Ser2384Asn (NM_001354897.2); c.7046G>A, p.Ser2349Asn (NM_001354898.2); c.7037G>A, p.Ser2346Asn (NM_001354899.2); c.6998G>A, p.Ser2333Asn (NM_001354900.2); c.6944G>A, p.Ser2315Asn (NM_001354901.2); and 5 more; short protein forms S2091N, S2214N, S2248N, S2273N, S2283N, S2315N, S2333N, S2346N.
Identifiers: ClinVar variation 1062997 (VCV001062997.10), dbSNP rs759336152, ClinGen allele CA046992.
Genomic context (GRCh38, chr5:112,842,715, plus strand): 5'-CTTCAACTAAGTCCTCAGGTTCTGGAAAAATGTCATATACATCTCCAGGTAGACAGATGA[G>A]CCAACAGAACCTTACCAAACAAACAGGTTTATCCAAGAATGCCAGTAGTATTCCAAGAAG-3'
Protein context (NP_000029.2, residues 2364-2384): MSYTSPGRQM[Ser2374Asn]QQNLTKQTGL